The following is an entry in ClinVar:

NM_002637.4(PHKA1):c.871T>C (p.Tyr291His)

Gene: PHKA1 (phosphorylase kinase regulatory subunit alpha 1; minus strand). Cytogenetic location: Xq13.1.
Variant type: single nucleotide variant.
Coding change: c.871T>C on transcript NM_002637.4 (MANE Select); coding-DNA position 871, T replaced by C.
Protein change: p.Tyr291His; replaces tyrosine 291 with histidine.
Molecular consequence: missense variant.
Genome position (GRCh38, 1-based): chrX:72,657,635, A>G on the plus strand (T>C on the coding strand, the complement: PHKA1 is on the minus strand). VCF-style: chrX-72657635-A-G. GRCh37 (hg19) VCF-style: chrX-71877485-A-G.
Other names: c.871T>C, p.Tyr291His (NM_001122670.2, NM_001172436.2); short protein forms Y291H.
Identifiers: ClinVar variation 2660917 (VCV002660917.25), dbSNP rs1556302069, ClinGen allele CA413593892.
Genomic context (GRCh38, chrX:72,657,635, plus strand): 5'-AAAAGAAACCTACCTCTTTAGGAGTTTTATATCCATCTCGTAGAAAGCGACAGCAACCAT[A>G]ACGACCCTGGGAATACAAAGAAAAAAGGTCAGCAGCTTGTACACTGGTACGGCCATGTAA-3'
Protein context (NP_002628.2, residues 281-301): QEIITKLQGR[Tyr291His]GCCRFLRDGY

ClinVar aggregate classification (germline): Uncertain significance. Review status: criteria provided, multiple submitters, no conflicts (2 of 4 stars). 2 submissions from 2 submitters: Uncertain significance (2). Last evaluated 2025-08-13.

Conditions:
Glycogen storage disease IXd (GSD9D). Also called: GSD IXd; Muscle Phosphorylase Kinase Deficiency. Identifiers: Orphanet 715, MedGen C1845151, MONDO:0010362, OMIM 300559.

Allele frequency attached by ClinVar (database versions not stated): gnomAD 0.00001; gnomAD exomes 0.00001; TOPMed 0.00001.
gnomAD v4.1: 13 of 1,192,015 alleles (0.0011%); highest among the groups gnomAD compares: South Asian, 0.023%; no homozygotes.

Submissions (2):

Labcorp Genetics (formerly Invitae), Labcorp
Classification: Uncertain significance for Glycogen storage disease IXd. Last evaluated: 2025-08-13. Review status: criteria provided, single submitter. Criteria: Invitae Variant Classification Sherloc (09022015). Collection method: clinical testing. Allele origin: germline.
Comment: This sequence change replaces tyrosine, which is neutral and polar, with histidine, which is basic and polar, at codon 291 of the PHKA1 protein (p.Tyr291His). This variant is present in population databases (no rsID available, gnomAD 0.03%). This variant has not been reported in the literature in individuals affected with PHKA1-related conditions. ClinVar contains an entry for this variant (Variation ID: 2660917). Invitae Evidence Modeling of protein sequence and biophysical properties (such as structural, functional, and spatial information, amino acid conservation, physicochemical variation, residue mobility, and thermodynamic stability) indicates that this missense variant is expected to disrupt PHKA1 protein function with a positive predictive value of 80%. In summary, the available evidence is currently insufficient to determine the role of this variant in disease. Therefore, it has been classified as a Variant of Uncertain Significance.

CeGaT Center for Human Genetics Tuebingen
Classification: Uncertain significance. Last evaluated: 2022-07-01. Review status: criteria provided, single submitter. Criteria: CeGaT Center For Human Genetics Tuebingen Variant Classification Criteria Version 2. Collection method: clinical testing. Allele origin: germline. Affected: yes. Observed: 1 variant allele.
Comment: PHKA1: PP3